The following is an entry in ClinVar:

NM_001365536.1(SCN9A):c.5635C>G (p.Pro1879Ala)

Genes: SCN9A (sodium voltage-gated channel alpha subunit 9; minus strand), SCN1A-AS1 (SCN1A and SCN9A antisense RNA 1; plus strand). Cytogenetic location: 2q24.3.
Variant type: single nucleotide variant.
Coding change: c.5635C>G on transcript NM_001365536.1 (MANE Select); coding-DNA position 5635, C replaced by G.
Protein change: p.Pro1879Ala; replaces proline 1879 with alanine.
Molecular consequence: missense variant.
Genome position (GRCh38, 1-based): chr2:166,199,004, G>C on the plus strand (C>G on the coding strand, the complement: SCN9A is on the minus strand). VCF-style: chr2-166199004-G-C. GRCh37 (hg19) VCF-style: chr2-167055514-G-C.
Other names: c.5602C>G, p.Pro1868Ala (NM_002977.4); short protein forms P1868A, P1879A.
Identifiers: ClinVar variation 2947855 (VCV002947855.3), dbSNP rs1266771582, ClinGen allele CA349051866.

ClinVar aggregate classification (germline): Uncertain significance (1 of 4 stars; one submission).

Conditions:
Neuropathy, hereditary sensory and autonomic, type 2A (HSAN2A). Also called: ACROOSTEOLYSIS, GIACCAI TYPE; ACROOSTEOLYSIS, NEUROGENIC; MORVAN DISEASE; NEUROPATHY, CONGENITAL SENSORY; NEUROPATHY, HEREDITARY SENSORY RADICULAR, AUTOSOMAL RECESSIVE; NEUROPATHY, HEREDITARY SENSORY, TYPE IIA. Identifiers: Orphanet 970, MedGen C2752089, MONDO:0024309, OMIM 201300.
Generalized epilepsy with febrile seizures plus, type 7 (GEFSP7). Also called: GEFS+, TYPE 7. Identifiers: Orphanet 36387, MedGen C2751778, MONDO:0013470, OMIM 613863.

gnomAD v4.1: 1 of 1,614,004 alleles (0.000062%); highest among the groups gnomAD compares: African/African-American, 0.0013%; no homozygotes.

Submission:

Labcorp Genetics (formerly Invitae), Labcorp
Classification: Uncertain significance for Neuropathy, hereditary sensory and autonomic, type 2A; Generalized epilepsy with febrile seizures plus, type 7. Last evaluated: 2025-11-24. Review status: criteria provided, single submitter. Criteria: Invitae Variant Classification Sherloc (09022015). Collection method: clinical testing. Allele origin: germline.
Comment: This sequence change replaces proline, which is neutral and non-polar, with alanine, which is neutral and non-polar, at codon 1868 of the SCN9A protein (p.Pro1868Ala). This variant is not present in population databases (gnomAD no frequency). This variant has not been reported in the literature in individuals affected with SCN9A-related conditions. ClinVar contains an entry for this variant (Variation ID: 2947855). Invitae Evidence Modeling of protein sequence and biophysical properties (such as structural, functional, and spatial information, amino acid conservation, physicochemical variation, residue mobility, and thermodynamic stability) has been performed for this missense variant. However, the output from this modeling did not meet the statistical confidence thresholds required to predict the impact of this variant on SCN9A protein function. In summary, the available evidence is currently insufficient to determine the role of this variant in disease. Therefore, it has been classified as a Variant of Uncertain Significance.